The following is an entry in ClinVar:

ClinVar aggregate classification (germline): Uncertain significance. Review status: criteria provided, multiple submitters, no conflicts (2 of 4 stars). 2 submissions from 2 submitters: Uncertain significance (2). Last evaluated 2025-09-12.

Submissions (2):

Women's Health and Genetics/Laboratory Corporation of America, LabCorp
Classification: Uncertain significance. Last evaluated: 2025-09-12. Review status: criteria provided, single submitter. Criteria: LabCorp Variant Classification Summary - May 2015. Collection method: clinical testing. Allele origin: germline.
Comment: Variant summary: CHD8 c.1573T>G (p.Ser525Ala) results in a conservative amino acid change in the encoded protein sequence. Algorithms developed to predict the effect of missense changes on protein structure and function are either unavailable or do not agree on the potential impact of this missense change. The variant was absent in 249106 control chromosomes. The available data on variant occurrences in the general population are insufficient to allow any conclusion about variant significance. To our knowledge, no occurrence of c.1573T>G in individuals affected with CHD8-related conditions and no experimental evidence demonstrating its impact on protein function have been reported. ClinVar contains an entry for this variant (Variation ID: 2574908). Based on the evidence outlined above, the variant was classified as uncertain significance.

GeneDx
Classification: Uncertain significance. Last evaluated: 2023-02-05. Review status: criteria provided, single submitter. Criteria: GeneDx Variant Classification Process June 2021. Collection method: clinical testing. Allele origin: germline. Affected: yes.
Comment: Not observed at significant frequency in large population cohorts (gnomAD); In silico analysis supports that this missense variant does not alter protein structure/function; Has not been previously published as pathogenic or benign to our knowledge

NM_001170629.2(CHD8):c.1573T>G (p.Ser525Ala)

Gene: CHD8 (chromodomain helicase DNA binding protein 8; minus strand). Cytogenetic location: 14q11.2.
Variant type: single nucleotide variant.
Coding change: c.1573T>G on transcript NM_001170629.2 (MANE Select); coding-DNA position 1573, T replaced by G.
Protein change: p.Ser525Ala; replaces serine 525 with alanine.
Molecular consequence: missense variant.
Genome position (GRCh38, 1-based): chr14:21,427,897, A>C on the plus strand (T>G on the coding strand, the complement: CHD8 is on the minus strand). VCF-style: chr14-21427897-A-C. GRCh37 (hg19) VCF-style: chr14-21896056-A-C.
Other names: c.736T>G, p.Ser246Ala (NM_020920.4); short protein forms S246A, S525A.
Identifiers: ClinVar variation 2574908 (VCV002574908.4), dbSNP rs771409666, ClinGen allele CA388882542.